The following is an entry in ClinVar:

NC_000011.10:g.(?_108244778)_(108365518_?)dup

Gene: ATM (ATM serine/threonine kinase; plus strand). Cytogenetic location: 11q22.3.
Variant type: Duplication.
Identifiers: ClinVar variation 832092 (VCV000832092.2).

ClinVar aggregate classification (germline): Uncertain significance (1 of 4 stars; one submission).

Conditions:
Ataxia-telangiectasia syndrome (AT). Also called: Ataxia-telangiectasia, complementation group E; Ataxia telangiectasia (A-T); LOUIS-BAR SYNDROME; Ataxia-telangiectasia, complementation group D; AT, COMPLEMENTATION GROUP C; Ataxia-telangiectasia. Identifiers: Orphanet 100, MedGen C0004135, MONDO:0008840, OMIM 208900.

Submission:

Labcorp Genetics (formerly Invitae), Labcorp
Classification: Uncertain significance for Ataxia-telangiectasia syndrome. Last evaluated: 2022-07-06. Review status: criteria provided, single submitter. Criteria: Invitae Variant Classification Sherloc (09022015). Collection method: clinical testing. Allele origin: germline.
Comment: This variant results in a copy number gain of the genomic region encompassing exon(s) 7-63 of the ATM gene. This region includes the termination codon of the gene. This copy number gain extends beyond the assayed region for this gene and therefore may encompass additional genes. As the precise location of this event is unknown, it may be in tandem or it may be located elsewhere in the genome. This variant has not been reported in the literature in individuals affected with ATM-related conditions. Experimental studies and prediction algorithms are not available or were not evaluated, and the functional significance of this variant is currently unknown. In summary, the available evidence is currently insufficient to determine the role of this variant in disease. Therefore, it has been classified as a Variant of Uncertain Significance.